The following is an entry in ClinVar:

ClinVar aggregate classification (germline): Uncertain significance. Review status: criteria provided, multiple submitters, no conflicts (2 of 4 stars). 2 submissions from 2 submitters: Uncertain significance (2). Last evaluated 2025-12-07.

Conditions:
Hereditary cancer-predisposing syndrome. Also called: Tumor predisposition; Neoplastic Syndromes, Hereditary; Hereditary Cancer Syndrome; Hereditary neoplastic syndrome. Identifiers: Orphanet 140162, MedGen C0027672, MeSH D009386, MONDO:0015356.
Ataxia-telangiectasia syndrome (AT). Also called: ATAXIA-TELANGIECTASIA, COMPLEMENTATION GROUP A; ATAXIA-TELANGIECTASIA, FRESNO VARIANT; Ataxia-telangiectasia; Ataxia-telangiectasia, complementation group D; AT, COMPLEMENTATION GROUP C; Ataxia-telangiectasia, complementation group E. Identifiers: Orphanet 100, MedGen C0004135, MONDO:0008840, OMIM 208900.

Submissions (2):

Ambry Genetics
Classification: Uncertain significance for Hereditary cancer-predisposing syndrome. Last evaluated: 2025-12-07. Review status: criteria provided, single submitter. Criteria: Ambry Variant Classification Scheme 2023. Collection method: clinical testing. Allele origin: germline.
Comment: The p.W2960R variant (also known as c.8878T>A), located in coding exon 61 of the ATM gene, results from a T to A substitution at nucleotide position 8878. The tryptophan at codon 2960 is replaced by arginine, an amino acid with dissimilar properties. This amino acid position is conserved. In addition, this alteration is predicted to be deleterious by in silico analysis. Based on the available evidence, the clinical significance of this variant remains unclear.

Labcorp Genetics (formerly Invitae), Labcorp
Classification: Uncertain significance for Ataxia-telangiectasia syndrome. Last evaluated: 2019-11-27. Review status: criteria provided, single submitter. Criteria: Invitae Variant Classification Sherloc (09022015). Collection method: clinical testing. Allele origin: germline.
Comment: This sequence change replaces tryptophan with arginine at codon 2960 of the ATM protein (p.Trp2960Arg). The tryptophan residue is highly conserved and there is a moderate physicochemical difference between tryptophan and arginine. This variant is not present in population databases (ExAC no frequency). This variant has not been reported in the literature in individuals with ATM-related conditions. Algorithms developed to predict the effect of missense changes on protein structure and function (SIFT, PolyPhen-2, Align-GVGD) all suggest that this variant is likely to be disruptive, but these predictions have not been confirmed by published functional studies and their clinical significance is uncertain. Algorithms developed to predict the effect of sequence changes on RNA splicing suggest that this variant may create or strengthen a splice site, but this prediction has not been confirmed by published transcriptional studies. In summary, the available evidence is currently insufficient to determine the role of this variant in disease. Therefore, it has been classified as a Variant of Uncertain Significance.

NM_000051.4(ATM):c.8878T>A (p.Trp2960Arg)

Genes: ATM (ATM serine/threonine kinase; plus strand), C11orf65 (chromosome 11 open reading frame 65; minus strand). Cytogenetic location: 11q22.3.
Variant type: single nucleotide variant.
Coding change: c.8878T>A on transcript NM_000051.4 (MANE Select); coding-DNA position 8878, T replaced by A.
Protein change: p.Trp2960Arg; replaces tryptophan 2960 with arginine.
Molecular consequence: missense variant. On other transcripts: intron variant (2).
Genome position (GRCh38, 1-based): chr11:108,365,109, T>A. VCF-style: chr11-108365109-T-A. GRCh37 (hg19) VCF-style: chr11-108235836-T-A.
Other names: c.8878T>A, p.Trp2960Arg (NM_001351834.2); c.640+20811A>T (NM_001330368.2); c.694+20811A>T (NM_001351110.2); short protein forms W2960R.
Identifiers: ClinVar variation 834232 (VCV000834232.3), dbSNP rs1064794739, ClinGen allele CA382529651.
Genomic context (GRCh38, chr11:108,365,109, plus strand): 5'-TGTTCTTTTAATACATATGTTCTCTCTGTTTAGGTCCTTCTATATGATCCACTCTTTGAC[T>A]GGACCATGAATCCTTTGAAAGCTTTGTATTTACAGCAGAGGCCGGAAGATGAAACTGAGC-3'
Protein context (NP_000042.3, residues 2950-2970): EVLLYDPLFD[Trp2960Arg]TMNPLKALYL